The following is an entry in ClinVar:

NM_000018.4(ACADVL):c.907A>G (p.Lys303Glu)

Gene: ACADVL (acyl-CoA dehydrogenase very long chain; plus strand). Cytogenetic location: 17p13.1.
Variant type: single nucleotide variant.
Coding change: c.907A>G on transcript NM_000018.4 (MANE Select); coding-DNA position 907, A replaced by G.
Protein change: p.Lys303Glu; replaces lysine 303 with glutamic acid.
Molecular consequence: missense variant.
Genome position (GRCh38, 1-based): chr17:7,222,695, A>G. VCF-style: chr17-7222695-A-G. GRCh37 (hg19) VCF-style: chr17-7126014-A-G.
Other names: c.841A>G, p.Lys281Glu (NM_001033859.3); c.976A>G, p.Lys326Glu (NM_001270447.2); c.679A>G, p.Lys227Glu (NM_001270448.2); short protein forms K227E, K303E, K326E, K281E.
Identifiers: ClinVar variation 439357 (VCV000439357.15), dbSNP rs369149696, ClinGen allele CA8337905.
Genomic context (GRCh38, chr17:7,222,695, plus strand): 5'-CACCTCTGCTTTCCCACACTGCCCTGACACAGTGGGCCCCCTGAGAAGAAGATGGGCATC[A>G]AGGCTTCAAACACAGCAGAGGTGTTCTTTGATGGAGTACGGGTGCCATCGGAGAACGTGC-3'
Protein context (NP_000009.1, residues 293-313): HGPPEKKMGI[Lys303Glu]ASNTAEVFFD

ClinVar aggregate classification (germline): Uncertain significance. Review status: criteria provided, multiple submitters, no conflicts (2 of 4 stars). 4 submissions from 4 submitters: Uncertain significance (3). 1 of the submissions does not count toward it. Last evaluated 2022-03-22.

Conditions:
Inborn genetic diseases. Identifiers: MedGen C0950123, MeSH D030342.
Very long chain acyl-CoA dehydrogenase deficiency (ACADVLD). Also called: VLCAD Deficiency; Very Long-Chain Acyl-Coenzyme A Dehydrogenase Deficiency. Identifiers: Orphanet 26793, MedGen C3887523, MONDO:0008723, OMIM 201475.

Allele frequency attached by ClinVar (database versions not stated): gnomAD exomes below 0.00001; ExAC 0.00001; gnomAD 0.00001; TOPMed 0.00001; ESP Exome Variant Server 0.00008.
gnomAD v4.1: 1 of 1,613,954 alleles (0.000062%); highest among the groups gnomAD compares: African/African-American, 0.0013%; no homozygotes.

Submissions (4):

Labcorp Genetics (formerly Invitae), Labcorp
Classification: Uncertain significance for Very long chain acyl-CoA dehydrogenase deficiency. Last evaluated: 2022-03-22. Review status: criteria provided, single submitter. Criteria: Invitae Variant Classification Sherloc (09022015). Collection method: clinical testing. Allele origin: germline.
Comment: This sequence change replaces lysine, which is basic and polar, with glutamic acid, which is acidic and polar, at codon 303 of the ACADVL protein (p.Lys303Glu). This variant is present in population databases (rs369149696, gnomAD 0.007%). This variant has not been reported in the literature in individuals affected with ACADVL-related conditions. ClinVar contains an entry for this variant (Variation ID: 439357). Advanced modeling of protein sequence and biophysical properties (such as structural, functional, and spatial information, amino acid conservation, physicochemical variation, residue mobility, and thermodynamic stability) performed at Invitae indicates that this missense variant is expected to disrupt ACADVL protein function. In summary, the available evidence is currently insufficient to determine the role of this variant in disease. Therefore, it has been classified as a Variant of Uncertain Significance.

Ambry Genetics
Classification: Uncertain significance for Inborn genetic diseases. Last evaluated: 2017-12-08. Review status: criteria provided, single submitter. Criteria: Ambry exome assertion method (8-5-2015). Collection method: clinical testing. Allele origin: germline. Affected: yes. Observed: 1 variant allele.

ARUP Laboratories, Molecular Genetics and Genomics, ARUP Laboratories
Classification: Uncertain significance. Last evaluated: 2016-11-25. Review status: criteria provided, single submitter. Criteria: ARUP Molecular Germline Variant Investigation Process. Collection method: clinical testing. Allele origin: germline.

Natera, Inc.
Classification: Uncertain significance for Very long chain acyl-CoA dehydrogenase deficiency. Last evaluated: 2025-03-31. Review status: no assertion criteria provided. Collection method: clinical testing. Allele origin: germline. Not counted in ClinVar's aggregate classification.